The following is an entry in ClinVar:

NM_002047.4(GARS1):c.1657A>G (p.Lys553Glu)

Gene: GARS1 (glycyl-tRNA synthetase 1; plus strand). Cytogenetic location: 7p14.3.
Variant type: single nucleotide variant.
Coding change: c.1657A>G on transcript NM_002047.4 (MANE Select); coding-DNA position 1657, A replaced by G.
Protein change: p.Lys553Glu; replaces lysine 553 with glutamic acid.
Molecular consequence: missense variant.
Genome position (GRCh38, 1-based): chr7:30,626,277, A>G. VCF-style: chr7-30626277-A-G. GRCh37 (hg19) VCF-style: chr7-30665893-A-G.
Other names: c.1495A>G, p.Lys499Glu (NM_001316772.1); short protein forms K499E, K553E.
Identifiers: ClinVar variation 998428 (VCV000998428.10), dbSNP rs1783125497, ClinGen allele CA367129384.
Genomic context (GRCh38, chr7:30,626,277, plus strand): 5'-GTTTTGTTTCTTCGTAGGGAATTCACAATTGAAACTGAAGGGAAAACATTTCAGTTAACA[A>G]AAGACATGATCAATGTGAAGAGATTCCAGAAAACACTATATGGTAAATTTGTAAAAATAA-3'
Protein context (NP_002038.2, residues 543-563): ETEGKTFQLT[Lys553Glu]DMINVKRFQK

ClinVar aggregate classification (germline): Uncertain significance. Review status: criteria provided, multiple submitters, no conflicts (2 of 4 stars). 2 submissions from 2 submitters: Uncertain significance (2). Last evaluated 2022-07-19.

Conditions:
Charcot-Marie-Tooth disease type 2. Also called: Charcot-Marie-Tooth type 2. Identifiers: Orphanet 64746, MedGen C0270914, MONDO:0018993.

Submissions (2):

Labcorp Genetics (formerly Invitae), Labcorp
Classification: Uncertain significance for Charcot-Marie-Tooth disease type 2. Last evaluated: 2022-07-19. Review status: criteria provided, single submitter. Criteria: Invitae Variant Classification Sherloc (09022015). Collection method: clinical testing. Allele origin: germline.
Comment: This variant has not been reported in the literature in individuals affected with GARS-related conditions. In summary, the available evidence is currently insufficient to determine the role of this variant in disease. Therefore, it has been classified as a Variant of Uncertain Significance. Algorithms developed to predict the effect of missense changes on protein structure and function (SIFT, PolyPhen-2, Align-GVGD) all suggest that this variant is likely to be tolerated. ClinVar contains an entry for this variant (Variation ID: 998428). This variant is not present in population databases (gnomAD no frequency). This sequence change replaces lysine, which is basic and polar, with glutamic acid, which is acidic and polar, at codon 553 of the GARS protein (p.Lys553Glu).

Ambry Genetics
Classification: Uncertain significance. Last evaluated: 2020-05-15. Review status: criteria provided, single submitter. Criteria: Ambry Variant Classification Scheme 2023. Collection method: clinical testing. Allele origin: germline.
Comment: The p.K553E variant (also known as c.1657A>G), located in coding exon 13 of the GARS gene, results from an A to G substitution at nucleotide position 1657. The lysine at codon 553 is replaced by glutamic acid, an amino acid with similar properties. This amino acid position is well conserved in available vertebrate species. In addition, the in silico prediction for this alteration is inconclusive. Since supporting evidence is limited at this time, the clinical significance of this alteration remains unclear.